The following is an entry in ClinVar:

ClinVar aggregate classification (germline): Pathogenic/Likely pathogenic. Review status: criteria provided, multiple submitters, no conflicts (2 of 4 stars). 3 submissions from 3 submitters: Pathogenic (1); Likely pathogenic (2). Last evaluated 2025-11-11.

Conditions:
Jeune thoracic dystrophy. Also called: Jeune syndrome; Infantile thoracic dystrophy; Thoracic pelvic phalangeal dystrophy; Jeune's syndrome; Chondroectodermal dysplasia-like syndrome; Short-rib thoracic dysplasia. Identifiers: Orphanet 474, MedGen C0265275, MONDO:0018770.
DYNC2H1-related disorder. Also called: DYNC2H1-related disorders; DYNC2H1-related condition. Identifiers: MedGen CN378770.

Allele frequency attached by ClinVar (database versions not stated): TOPMed 0.00002; gnomAD 0.00003.

Submissions (3):

Labcorp Genetics (formerly Invitae), Labcorp
Classification: Pathogenic for Jeune thoracic dystrophy. Last evaluated: 2025-11-11. Review status: criteria provided, single submitter. Criteria: Invitae Variant Classification Sherloc (09022015). Collection method: clinical testing. Allele origin: germline.
Comment: This sequence change replaces methionine, which is neutral and non-polar, with lysine, which is basic and polar, at codon 1991 of the DYNC2H1 protein (p.Met1991Lys). This variant is present in population databases (no rsID available, gnomAD 0.007%). This missense change has been observed in individual(s) with Jeune asphyxiating thoracic dystrophy (PMID: 23456818). In at least one individual the data is consistent with being in trans (on the opposite chromosome) from a pathogenic variant. It has also been observed to segregate with disease in related individuals. ClinVar contains an entry for this variant (Variation ID: 439632). Invitae Evidence Modeling of protein sequence and biophysical properties (such as structural, functional, and spatial information, amino acid conservation, physicochemical variation, residue mobility, and thermodynamic stability) has been performed for this missense variant. However, the output from this modeling did not meet the statistical confidence thresholds required to predict the impact of this variant on DYNC2H1 protein function. This variant disrupts the p.Met199 amino acid residue in DYNC2H1. Other variant(s) that disrupt this residue have been determined to be pathogenic (PMID: 19442771, 33532864, 33726816). This suggests that this residue is clinically significant, and that variants that disrupt this residue are likely to be disease-causing. For these reasons, this variant has been classified as Pathogenic.

Blueprint Genetics
Classification: Likely pathogenic for DYNC2H1-related disorders. Last evaluated: 2021-10-20. Review status: criteria provided, single submitter. Criteria: ACMG Guidelines, 2015. Collection method: clinical testing. Allele origin: germline. Affected: yes. Observed: 1 variant allele.

ARUP Laboratories, Molecular Genetics and Genomics, ARUP Laboratories
Classification: Likely pathogenic. Last evaluated: 2016-12-19. Review status: criteria provided, single submitter. Criteria: ARUP Molecular Germline Variant Investigation Process. Collection method: clinical testing. Allele origin: germline.

Literature cited by the submitters: PubMed 23456818 (cited by Labcorp Genetics (formerly Invitae), Labcorp); PubMed 19442771 (cited by Labcorp Genetics (formerly Invitae), Labcorp); PubMed 33532864 (cited by Labcorp Genetics (formerly Invitae), Labcorp); PubMed 33726816 (cited by Labcorp Genetics (formerly Invitae), Labcorp).

NM_001377.3(DYNC2H1):c.5972T>A (p.Met1991Lys)

Gene: DYNC2H1 (dynein cytoplasmic 2 heavy chain 1; plus strand). Cytogenetic location: 11q22.3.
Variant type: single nucleotide variant.
Coding change: c.5972T>A on transcript NM_001377.3 (MANE Select); coding-DNA position 5972, T replaced by A.
Protein change: p.Met1991Lys; replaces methionine 1991 with lysine.
Molecular consequence: missense variant.
Genome position (GRCh38, 1-based): chr11:103,177,653, T>A. VCF-style: chr11-103177653-T-A. GRCh37 (hg19) VCF-style: chr11-103048382-T-A.
Other names: c.5972T>A, p.Met1991Lys (NM_001080463.2); short protein forms M1991K.
Identifiers: ClinVar variation 439632 (VCV000439632.13), dbSNP rs1202784860, ClinGen allele CA382246068.